The following is an entry in ClinVar:

NM_000393.5(COL5A2):c.3290C>T (p.Ala1097Val)

Gene: COL5A2 (collagen type V alpha 2 chain; minus strand). Cytogenetic location: 2q32.2.
Variant type: single nucleotide variant.
Coding change: c.3290C>T on transcript NM_000393.5 (MANE Select); coding-DNA position 3290, C replaced by T.
Protein change: p.Ala1097Val; replaces alanine 1097 with valine.
Molecular consequence: missense variant.
Genome position (GRCh38, 1-based): chr2:189,045,819, G>A on the plus strand (C>T on the coding strand, the complement: COL5A2 is on the minus strand). VCF-style: chr2-189045819-G-A. GRCh37 (hg19) VCF-style: chr2-189910545-G-A.
Other names: short protein forms A1097V.
Identifiers: ClinVar variation 519685 (VCV000519685.5), dbSNP rs1162768110, ClinGen allele CA349862496.

ClinVar aggregate classification (germline): Uncertain significance (1 of 4 stars; one submission).

Conditions:
Familial thoracic aortic aneurysm and aortic dissection (TAAD). Also called: Thoracic aortic aneurysms and dissections. Identifiers: Orphanet 91387, MedGen C4707243, MONDO:0019625.

Allele frequency attached by ClinVar (database versions not stated): gnomAD 0.00001; TOPMed 0.00001.
gnomAD v4.1: 1 of 1,613,888 alleles (0.000062%); highest among the groups gnomAD compares: East Asian, 0.0022%; no homozygotes.

Submission:

Ambry Genetics
Classification: Uncertain significance for Familial thoracic aortic aneurysm and aortic dissection. Last evaluated: 2017-03-27. Review status: criteria provided, single submitter. Criteria: Ambry Variant Classification Scheme 2023. Collection method: clinical testing. Allele origin: germline.
Comment: The p.A1097V variant (also known as c.3290C>T), located in coding exon 46 of the COL5A2 gene, results from a C to T substitution at nucleotide position 3290. The alanine at codon 1097 is replaced by valine, an amino acid with similar properties. This amino acid position is well conserved in available vertebrate species; however, valine is the reference amino acid in other vertebrate species. In addition, the in silico prediction for this alteration is inconclusive. Since supporting evidence is limited at this time, the clinical significance of this alteration remains unclear.